The following is an entry in ClinVar:

ClinVar aggregate classification (germline): Uncertain significance (1 of 4 stars; one submission).

Submission:

Labcorp Genetics (formerly Invitae), Labcorp
Classification: Uncertain significance. Last evaluated: 2020-02-15. Review status: criteria provided, single submitter. Criteria: Invitae Variant Classification Sherloc (09022015). Collection method: clinical testing. Allele origin: germline.
Comment: In summary, the available evidence is currently insufficient to determine the role of this variant in disease. Therefore, it has been classified as a Variant of Uncertain Significance. Algorithms developed to predict the effect of missense changes on protein structure and function are either unavailable or do not agree on the potential impact of this missense change (SIFT: "Deleterious"; PolyPhen-2: "Probably Damaging"; Align-GVGD: "Class C0"). This variant has not been reported in the literature in individuals with VCAN-related conditions. This variant is not present in population databases (ExAC no frequency). This sequence change replaces glutamine with histidine at codon 2090 of the VCAN protein (p.Gln2090His). The glutamine residue is highly conserved and there is a small physicochemical difference between glutamine and histidine.

NM_004385.5(VCAN):c.6270A>T (p.Gln2090His)

Genes: VCAN (versican; plus strand), VCAN-AS1 (VCAN antisense RNA 1; minus strand). Cytogenetic location: 5q14.3.
Variant type: single nucleotide variant.
Coding change: c.6270A>T on transcript NM_004385.5 (MANE Select); coding-DNA position 6270, A replaced by T.
Protein change: p.Gln2090His; replaces glutamine 2090 with histidine.
Molecular consequence: missense variant. On other transcripts: intron variant (2).
Genome position (GRCh38, 1-based): chr5:83,539,273, A>T. VCF-style: chr5-83539273-A-T. GRCh37 (hg19) VCF-style: chr5-82835092-A-T.
Other names: c.3309A>T, p.Gln1103His (NM_001164097.2); c.4004-6264A>T (NM_001164098.2); c.1043-6264A>T (NM_001126336.3); short protein forms Q2090H, Q1103H.
Identifiers: ClinVar variation 961294 (VCV000961294.9), dbSNP rs1746862546, ClinGen allele CA360312177.